The following is an entry in ClinVar:

ClinVar aggregate classification (germline): Uncertain significance (1 of 4 stars; one submission).

Allele frequency attached by ClinVar (database versions not stated): gnomAD exomes 0.00001.
gnomAD v4.1: 12 of 1,614,160 alleles (0.00074%); highest among the groups gnomAD compares: Non-Finnish European, 0.001%; no homozygotes.

Submission:

Labcorp Genetics (formerly Invitae), Labcorp
Classification: Uncertain significance. Last evaluated: 2024-04-22. Review status: criteria provided, single submitter. Criteria: Invitae Variant Classification Sherloc (09022015). Collection method: clinical testing. Allele origin: germline.
Comment: This sequence change creates a premature translational stop signal (p.Trp220*) in the PDYN gene. While this is not anticipated to result in nonsense mediated decay, it is expected to disrupt the last 35 amino acid(s) of the PDYN protein. This variant is not present in population databases (gnomAD no frequency). This variant has not been reported in the literature in individuals affected with PDYN-related conditions. Experimental studies and prediction algorithms are not available or were not evaluated, and the functional significance of this variant is currently unknown. In summary, the available evidence is currently insufficient to determine the role of this variant in disease. Therefore, it has been classified as a Variant of Uncertain Significance.

NM_024411.5(PDYN):c.660G>A (p.Trp220Ter)

Genes: PDYN (prodynorphin; minus strand), PDYN-AS1 (PDYN antisense RNA 1; plus strand). Cytogenetic location: 20p13.
Variant type: single nucleotide variant.
Coding change: c.660G>A on transcript NM_024411.5 (MANE Select); coding-DNA position 660, G replaced by A.
Protein change: p.Trp220Ter; replaces tryptophan 220 with a stop codon.
Molecular consequence: nonsense.
Genome position (GRCh38, 1-based): chr20:1,980,428, C>T on the plus strand (G>A on the coding strand, the complement: PDYN is on the minus strand). VCF-style: chr20-1980428-C-T. GRCh37 (hg19) VCF-style: chr20-1961074-C-T.
Other names: c.660G>A, p.Trp220Ter (NM_001190892.1, NM_001190898.3, NM_001190899.2 and 1 more transcripts); short protein forms W220*.
Identifiers: ClinVar variation 2834339 (VCV002834339.3), dbSNP rs774412599, ClinGen allele CA310825438.